The following is an entry in ClinVar:

NM_020435.4(GJC2):c.357dup (p.Pro120fs)

Gene: GJC2 (gap junction protein gamma 2; plus strand). Cytogenetic location: 1q42.13.
Variant type: Duplication.
Coding change: c.357dup on transcript NM_020435.4 (MANE Select); coding-DNA position 357, one base duplicated (G; older notation c.357dupG).
Protein change: p.Pro120fs; shifts the reading frame from proline 120.
Molecular consequence: frameshift variant.
Genome position (GRCh38, 1-based): chr1:228,158,115, G duplicated; the last of 4 consecutive G bases (chr1:228,158,112-228,158,115); duplicating any one gives the same sequence. VCF-style (leftmost placement, unchanged base first): chr1-228158111-C-CG. GRCh37 (hg19) VCF-style: chr1-228345812-C-CG.
Other names: short protein forms P120fs.
Identifiers: ClinVar variation 3336784 (VCV003336784.2).

ClinVar aggregate classification (germline): Likely pathogenic (1 of 4 stars; one submission).

Conditions:
Leukodystrophy, hypomyelinating, 2. Also called: PELIZAEUS-MERZBACHER-LIKE DISEASE, 1. Identifiers: Orphanet 280270, Orphanet 280282, MedGen C1837355, MONDO:0012125, OMIM 608804.

Submission:

Molecular Diagnostics Lab, Nemours Children's Health, Delaware
Classification: Likely pathogenic for Leukodystrophy, hypomyelinating, 2. Last evaluated: 2021-07-14. Review status: criteria provided, single submitter. Criteria: ACMG Guidelines, 2015. Collection method: clinical testing. Allele origin: unknown. Inheritance: Autosomal recessive inheritance. Affected: yes. Observed: 2 compound heterozygotes.
Comment: This variant (c.357dupG, p.Pro120Alafs*18) predicts a frameshift to a premature stop codon. It has not been observed in population databases (gnomAD), and is not reported in the literature.